The following is an entry in ClinVar:

ClinVar aggregate classification (germline): Conflicting classifications of pathogenicity. Review status: criteria provided, conflicting classifications (1 of 4 stars). 4 submissions from 4 submitters: Uncertain significance (2); Likely benign (1). 1 of the submissions does not count toward it. Last evaluated 2026-01-20.

Conditions:
ADGRV1-related disorder. Also called: ADGRV1-related disorders; ADGRV1-related condition.
Inborn genetic diseases. Identifiers: MedGen C0950123, MeSH D030342.

Allele frequency attached by ClinVar (database versions not stated): ExAC 0.00001; TOPMed 0.00002; 1000 Genomes Project 30x 0.00016; 1000 Genomes Project 0.00020.
gnomAD v4.1: 4 of 1,609,236 alleles (0.00025%); highest among the groups gnomAD compares: Admixed American, 0.0067%; no homozygotes.

Submissions (4):

Labcorp Genetics (formerly Invitae), Labcorp
Classification: Likely benign. Last evaluated: 2026-01-20. Review status: criteria provided, single submitter. Criteria: Invitae Variant Classification Sherloc (09022015). Collection method: clinical testing. Allele origin: germline.

Ambry Genetics
Classification: Uncertain significance for Inborn genetic diseases. Last evaluated: 2024-12-14. Review status: criteria provided, single submitter. Criteria: Ambry Variant Classification Scheme 2023. Collection method: clinical testing. Allele origin: germline.

Eurofins Ntd Llc (ga)
Classification: Uncertain significance. Last evaluated: 2017-06-26. Review status: criteria provided, single submitter. Criteria: EGL Classification Definitions 2015. Collection method: clinical testing. Allele origin: germline. Observed: 1 variant allele, 1 heterozygote.

PreventionGenetics, part of Exact Sciences
Classification: Uncertain significance for ADGRV1-related condition. Last evaluated: 2024-08-14. Review status: no assertion criteria provided. Collection method: clinical testing. Allele origin: germline. Not counted in ClinVar's aggregate classification.
Comment: The ADGRV1 c.13130C>A variant is predicted to result in the amino acid substitution p.Pro4377His. To our knowledge, this variant has not been reported in the literature. This variant is reported in 0.0030% of alleles in individuals of Latino descent in gnomAD. At this time, the clinical significance of this variant is uncertain due to the absence of conclusive functional and genetic evidence.

NM_032119.4(ADGRV1):c.13130C>A (p.Pro4377His)

Gene: ADGRV1 (adhesion G protein-coupled receptor V1; plus strand). Cytogenetic location: 5q14.3.
Variant type: single nucleotide variant.
Coding change: c.13130C>A on transcript NM_032119.4 (MANE Select); coding-DNA position 13130, C replaced by A.
Protein change: p.Pro4377His; replaces proline 4377 with histidine.
Molecular consequence: missense variant. On other transcripts: non-coding transcript variant (1).
Genome position (GRCh38, 1-based): chr5:90,781,477, C>A. VCF-style: chr5-90781477-C-A. GRCh37 (hg19) VCF-style: chr5-90077294-C-A.
Other names: c.13130C>A (NM_032119.3); short protein forms P4377H.
Identifiers: ClinVar variation 502424 (VCV000502424.17), dbSNP rs542081391, ClinGen allele CA3341445.
Genomic context (GRCh38, chr5:90,781,477, plus strand): 5'-ATGACTTTGGAAGAGGGTATGATTTTACCATTCAAGAAAATGGACTTCAGATAGATCAAC[C>A]TCCTGAAATAGGAAACATCTCCATTGTTCGCATCATAATAATGAAAAATGATAACGCAGA-3'
Protein context (NP_115495.3, residues 4367-4387): IQENGLQIDQ[Pro4377His]PEIGNISIVR